The following is an entry in ClinVar:

NM_000540.3(RYR1):c.11350G>A (p.Ala3784Thr)

Gene: RYR1 (ryanodine receptor 1; plus strand). Cytogenetic location: 19q13.2.
Variant type: single nucleotide variant.
Coding change: c.11350G>A on transcript NM_000540.3 (MANE Select); coding-DNA position 11350, G replaced by A.
Protein change: p.Ala3784Thr; replaces alanine 3784 with threonine.
Molecular consequence: missense variant.
Genome position (GRCh38, 1-based): chr19:38,534,810, G>A. VCF-style: chr19-38534810-G-A. GRCh37 (hg19) VCF-style: chr19-39025450-G-A.
Other names: c.11335G>A, p.Ala3779Thr (NM_001042723.2); short protein forms A3779T, A3784T.
Identifiers: ClinVar variation 4539860 (VCV004539860.1).

ClinVar aggregate classification (germline): Uncertain significance (1 of 4 stars; one submission).

Submission:

GeneDx
Classification: Uncertain significance. Last evaluated: 2025-06-25. Review status: criteria provided, single submitter. Criteria: GeneDx Variant Classification Process June 2021. Collection method: clinical testing. Allele origin: germline. Affected: yes.
Comment: Not observed at significant frequency in large population cohorts (gnomAD); In silico analysis supports that this missense variant has a deleterious effect on protein structure/function; Has not been previously published as pathogenic or benign to our knowledge